The following is an entry in ClinVar:

ClinVar aggregate classification (germline): Uncertain significance (1 of 4 stars; one submission).

Conditions:
Cenani-Lenz syndactyly syndrome. Also called: CENANI SYNDACTYLISM; SYNDACTYLY, TYPE VII. Identifiers: Orphanet 3258, MedGen C1859309, MONDO:0008931, OMIM 212780.
Sclerosteosis 2 (SOST2). Identifiers: Orphanet 3152, MedGen C3280402, MONDO:0013679, OMIM 614305.
Congenital myasthenic syndrome 17. Identifiers: Orphanet 590, MedGen C4225377, MONDO:0014578, OMIM 616304.

Submission:

Labcorp Genetics (formerly Invitae), Labcorp
Classification: Uncertain significance for Cenani-Lenz syndactyly syndrome; Sclerosteosis 2; Congenital myasthenic syndrome 17. Last evaluated: 2022-09-27. Review status: criteria provided, single submitter. Criteria: Invitae Variant Classification Sherloc (09022015). Collection method: clinical testing. Allele origin: germline.
Comment: This variant has not been reported in the literature in individuals affected with LRP4-related conditions. This variant is not present in population databases (gnomAD no frequency). This sequence change replaces glutamic acid, which is acidic and polar, with aspartic acid, which is acidic and polar, at codon 163 of the LRP4 protein (p.Glu163Asp). ClinVar contains an entry for this variant (Variation ID: 1478715). Algorithms developed to predict the effect of missense changes on protein structure and function are either unavailable or do not agree on the potential impact of this missense change (SIFT: "Deleterious"; PolyPhen-2: "Benign"; Align-GVGD: "Class C0"). In summary, the available evidence is currently insufficient to determine the role of this variant in disease. Therefore, it has been classified as a Variant of Uncertain Significance.

NM_002334.4(LRP4):c.489G>C (p.Glu163Asp)

Gene: LRP4 (LDL receptor related protein 4; minus strand). Cytogenetic location: 11p11.2.
Variant type: single nucleotide variant.
Coding change: c.489G>C on transcript NM_002334.4 (MANE Select); coding-DNA position 489, G replaced by C.
Protein change: p.Glu163Asp; replaces glutamic acid 163 with aspartic acid.
Molecular consequence: missense variant.
Genome position (GRCh38, 1-based): chr11:46,899,445, C>G on the plus strand (G>C on the coding strand, the complement: LRP4 is on the minus strand). VCF-style: chr11-46899445-C-G. GRCh37 (hg19) VCF-style: chr11-46920996-C-G.
Other names: short protein forms E163D.
Identifiers: ClinVar variation 1478715 (VCV001478715.8), dbSNP rs1941618309, ClinGen allele CA380289569.